The following is an entry in ClinVar:

NM_178857.6(RP1L1):c.3346G>C (p.Gly1116Arg)

Gene: RP1L1 (RP1 like 1). Cytogenetic location: 8p23.1.
Variant type: single nucleotide variant.
Coding change: c.3346G>C on transcript NM_178857.6 (MANE Select); coding-DNA position 3346, G replaced by C.
Protein change: p.Gly1116Arg; replaces glycine 1116 with arginine.
Molecular consequence: missense variant.
Genome position (GRCh38, 1-based): chr8:10,610,752, C>G on the plus strand (G>C on the coding strand, the complement: RP1L1 is on the minus strand). VCF-style: chr8-10610752-C-G. GRCh37 (hg19) VCF-style: chr8-10468262-C-G.
Other names: short protein forms G1116R.
Identifiers: ClinVar variation 3357247 (VCV003357247.2).
Genomic context (GRCh38, chr8:10,610,752, plus strand): 5'-CAGGAGACCCAAGGTCTTCCTCAAATAACTGCAGACTGGCCAGACAAGTAATGAGGGCCC[C>G]GGCTGAGCAGCTGAGCCTCCTGGCCATGGGCCTAGACACTTCGGGCACGCTGCTGGGCCG-3'
Protein context (NP_849188.4, residues 1106-1126): PMARRLSCSA[Gly1116Arg]ALITCLASLQ

ClinVar aggregate classification (germline): Uncertain significance. Review status: criteria provided, single submitter (1 of 4 stars). 2 submissions from 2 submitters: Uncertain significance (1). 1 of the submissions does not count toward it. Last evaluated 2024-08-28.

Conditions:
RP1L1-related disorder. Also called: RP1L1-related condition.
Inborn genetic diseases. Identifiers: MedGen C0950123, MeSH D030342.

gnomAD v4.1: 9 of 1,613,296 alleles (0.00056%); highest among the groups gnomAD compares: Admixed American, 0.0067%; no homozygotes.

Submissions (2):

Ambry Genetics
Classification: Uncertain significance for Inborn genetic diseases. Last evaluated: 2024-08-28. Review status: criteria provided, single submitter. Criteria: Ambry Variant Classification Scheme 2023. Collection method: clinical testing. Allele origin: germline.

PreventionGenetics, part of Exact Sciences
Classification: Uncertain significance for RP1L1-related condition. Last evaluated: 2024-09-09. Review status: no assertion criteria provided. Collection method: clinical testing. Allele origin: germline. Not counted in ClinVar's aggregate classification.
Comment: The RP1L1 c.3346G>C variant is predicted to result in the amino acid substitution p.Gly1116Arg. To our knowledge, this variant has not been reported in the literature or in a large population database, indicating this variant is rare. At this time, the clinical significance of this variant is uncertain due to the absence of conclusive functional and genetic evidence.